The following is an entry in ClinVar:

NM_031935.3(HMCN1):c.15901C>T (p.Pro5301Ser)

Gene: HMCN1 (hemicentin 1; plus strand). Cytogenetic location: 1q31.1.
Variant type: single nucleotide variant.
Coding change: c.15901C>T on transcript NM_031935.3 (MANE Select); coding-DNA position 15901, C replaced by T.
Protein change: p.Pro5301Ser; replaces proline 5301 with serine.
Molecular consequence: missense variant.
Genome position (GRCh38, 1-based): chr1:186,174,600, C>T. VCF-style: chr1-186174600-C-T. GRCh37 (hg19) VCF-style: chr1-186143732-C-T.
Other names: short protein forms P5301S.
Identifiers: ClinVar variation 4716560 (VCV004716560.1).

ClinVar aggregate classification (germline): Uncertain significance (1 of 4 stars; one submission).

Submission:

Labcorp Genetics (formerly Invitae), Labcorp
Classification: Uncertain significance. Last evaluated: 2025-04-02. Review status: criteria provided, single submitter. Criteria: Invitae Variant Classification Sherloc (09022015). Collection method: clinical testing. Allele origin: germline.
Comment: This sequence change replaces proline, which is neutral and non-polar, with serine, which is neutral and polar, at codon 5301 of the HMCN1 protein (p.Pro5301Ser). This variant is not present in population databases (gnomAD no frequency). This variant has not been reported in the literature in individuals affected with HMCN1-related conditions. An algorithm developed to predict the effect of missense changes on protein structure and function (PolyPhen-2) suggests that this variant is likely to be disruptive. In summary, the available evidence is currently insufficient to determine the role of this variant in disease. Therefore, it has been classified as a Variant of Uncertain Significance.